The following is an entry in ClinVar:

NM_032601.4(MCEE):c.*262G>A

Gene: MCEE (methylmalonyl-CoA epimerase; minus strand). Cytogenetic location: 2p13.3.
Variant type: single nucleotide variant.
Coding change: c.*262G>A on transcript NM_032601.4 (MANE Select); 262 bases downstream of the stop codon, G replaced by A.
Molecular consequence: 3 prime UTR variant.
Genome position (GRCh38, 1-based): chr2:71,109,708, C>T on the plus strand (G>A on the coding strand, the complement: MCEE is on the minus strand). VCF-style: chr2-71109708-C-T. GRCh37 (hg19) VCF-style: chr2-71336838-C-T.
Identifiers: ClinVar variation 336933 (VCV000336933.9), dbSNP rs72903553, ClinGen allele CA10615883.

ClinVar aggregate classification (germline): Benign. Review status: criteria provided, multiple submitters, no conflicts (2 of 4 stars). 3 submissions from 3 submitters: Benign (3). Last evaluated 2018-11-15.

Conditions:
Methylmalonic acidemia due to methylmalonyl-CoA epimerase deficiency. Also called: METHYLMALONYL-CoA RACEMASE DEFICIENCY; METHYLMALONIC ACIDURIA III; Methylmalonyl-CoA Epimerase Deficiency. Identifiers: Orphanet 308425, MedGen C1855100, MONDO:0009615, OMIM 251120.

Allele frequency attached by ClinVar (database versions not stated): gnomAD exomes 0.00561; gnomAD 0.04114 and 0.04345; TOPMed 0.04684; 1000 Genomes Project 0.04992; 1000 Genomes Project 30x 0.05606.
gnomAD v4.1: 6,741 of 244,234 alleles (2.8%); highest among the groups gnomAD compares: African/African-American, 13%; 399 homozygotes.

Submissions (3):

GeneDx
Classification: Benign. Last evaluated: 2018-11-15. Review status: criteria provided, single submitter. Criteria: GeneDx Variant Classification Process June 2021. Collection method: clinical testing. Allele origin: germline. Affected: yes.

Illumina Laboratory Services, Illumina
Classification: Benign for Methylmalonic acidemia due to methylmalonyl-CoA epimerase deficiency. Last evaluated: 2018-01-12. Review status: criteria provided, single submitter. Criteria: ICSL Variant Classification Criteria 13 December 2019. Collection method: clinical testing. Allele origin: germline.
Comment: This variant was observed in the ICSL laboratory as part of a predisposition screen in an ostensibly healthy population. It had not been previously curated by ICSL or reported in the Human Gene Mutation Database (HGMD: prior to June 1st, 2018), and was therefore a candidate for classification through an automated scoring system. Utilizing variant allele frequency, disease prevalence and penetrance estimates, and inheritance mode, an automated score was calculated to assess if this variant is too frequent to cause the disease. Based on the score and internal cut-off values, a variant classified as benign is not then subjected to further curation. The score for this variant resulted in a classification of benign for this disease.

Breakthrough Genomics
Classification: Benign. Review status: criteria provided, single submitter. Criteria: ACMG Guidelines, 2015. Collection method: not provided. Allele origin: germline. Inheritance: Autosomal recessive inheritance. Affected: yes.